The following is an entry in ClinVar:

ClinVar aggregate classification (germline): Uncertain significance. Review status: criteria provided, multiple submitters, no conflicts (2 of 4 stars). 3 submissions from 3 submitters: Uncertain significance (3). Last evaluated 2025-07-10.

Conditions:
Hereditary cancer-predisposing syndrome. Also called: Tumor predisposition; Hereditary Cancer Syndrome; Hereditary neoplastic syndrome; Neoplastic Syndromes, Hereditary. Identifiers: Orphanet 140162, MedGen C0027672, MeSH D009386, MONDO:0015356.
Gorlin syndrome. Also called: Basal cell nevus syndrome; Nevoid Basal Cell Carcinoma Syndrome. Identifiers: Orphanet 377, MedGen C0004779, MONDO:0007187.

Submissions (3):

Ambry Genetics
Classification: Uncertain significance for Hereditary cancer-predisposing syndrome. Last evaluated: 2025-07-10. Review status: criteria provided, single submitter. Criteria: Ambry Variant Classification Scheme 2023. Collection method: clinical testing. Allele origin: germline.
Comment: The p.A7G variant (also known as c.20C>G), located in coding exon 1 of the PTCH1 gene, results from a C to G substitution at nucleotide position 20. The alanine at codon 7 is replaced by glycine, an amino acid with similar properties. This amino acid position is conserved. In addition, this alteration is predicted to be tolerated by in silico analysis. Based on the available evidence, the clinical significance of this variant remains unclear.

Labcorp Genetics (formerly Invitae), Labcorp
Classification: Uncertain significance for Gorlin syndrome. Last evaluated: 2025-06-16. Review status: criteria provided, single submitter. Criteria: Invitae Variant Classification Sherloc (09022015). Collection method: clinical testing. Allele origin: germline.
Comment: This sequence change replaces alanine, which is neutral and non-polar, with glycine, which is neutral and non-polar, at codon 7 of the PTCH1 protein (p.Ala7Gly). This variant is not present in population databases (gnomAD no frequency). This variant has not been reported in the literature in individuals affected with PTCH1-related conditions. ClinVar contains an entry for this variant (Variation ID: 578371). Invitae Evidence Modeling of protein sequence and biophysical properties (such as structural, functional, and spatial information, amino acid conservation, physicochemical variation, residue mobility, and thermodynamic stability) indicates that this missense variant is not expected to disrupt PTCH1 protein function with a negative predictive value of 95%. In summary, the available evidence is currently insufficient to determine the role of this variant in disease. Therefore, it has been classified as a Variant of Uncertain Significance.

CeGaT Center for Human Genetics Tuebingen
Classification: Uncertain significance. Last evaluated: 2023-07-01. Review status: criteria provided, single submitter. Criteria: CeGaT Center For Human Genetics Tuebingen Variant Classification Criteria Version 2. Collection method: clinical testing. Allele origin: germline. Affected: yes. Observed: 1 variant allele.
Comment: PTCH1: PM2, PP3

NM_000264.5(PTCH1):c.20C>G (p.Ala7Gly)

Genes: PTCH1 (patched 1; minus strand), LOC130002133 (ATAC-STARR-seq lymphoblastoid silent region 20071; plus strand). Cytogenetic location: 9q22.32.
Variant type: single nucleotide variant.
Coding change: c.20C>G on transcript NM_000264.5 (MANE Select); coding-DNA position 20, C replaced by G.
Protein change: p.Ala7Gly; replaces alanine 7 with glycine.
Molecular consequence: missense variant. On other transcripts: non-coding transcript variant (1), intron variant (3).
Genome position (GRCh38, 1-based): chr9:95,508,342, G>C on the plus strand (C>G on the coding strand, the complement: PTCH1 is on the minus strand). VCF-style: chr9-95508342-G-C. GRCh37 (hg19) VCF-style: chr9-98270624-G-C.
Other names: c.20C>G, p.Ala7Gly (NM_001354918.2); c.199-1743C>G (NM_001083603.3); c.4-1743C>G (NM_001083602.3, NM_001354919.2); short protein forms A7G.
Identifiers: ClinVar variation 578371 (VCV000578371.36), dbSNP rs1564092028, ClinGen allele CA374121705.
Genomic context (GRCh38, chr9:95,508,342, plus strand): 5'-GGCCGTCCCGGGGCACCGATACAGCCGCTGCCGCCGCCGCCGCGGTCCTGGGGCTCGGCG[G>C]CGTTACCAGCCGAGGCCATGTTGCCGCCGCCGCCGCCGCCGCCGCGGGGACGGAGGCTTC-3'
Protein context (NP_000255.2, residues 1-17): MASAGN[Ala7Gly]AEPQDRGGGG